The following is an entry in ClinVar:

NM_000748.3(CHRNB2):c.691C>T (p.Arg231Cys)

Gene: CHRNB2 (cholinergic receptor nicotinic beta 2 subunit; plus strand). Cytogenetic location: 1q21.3.
Variant type: single nucleotide variant.
Coding change: c.691C>T on transcript NM_000748.3 (MANE Select); coding-DNA position 691, C replaced by T.
Protein change: p.Arg231Cys; replaces arginine 231 with cysteine.
Molecular consequence: missense variant.
Genome position (GRCh38, 1-based): chr1:154,571,514, C>T. VCF-style: chr1-154571514-C-T. GRCh37 (hg19) VCF-style: chr1-154543990-C-T.
Other names: short protein forms R231C.
Identifiers: ClinVar variation 410308 (VCV000410308.11), dbSNP rs752986234, ClinGen allele CA1130768.

ClinVar aggregate classification (germline): Uncertain significance. Review status: criteria provided, multiple submitters, no conflicts (2 of 4 stars). 2 submissions from 2 submitters: Uncertain significance (2). Last evaluated 2024-10-06.

Conditions:
Familial sleep-related hypermotor epilepsy. Also called: Autosomal Dominant Sleep-Related Hypermotor (Hyperkinetic) Epilepsy. Identifiers: Orphanet 98784, MedGen C3696898, MONDO:0000030.

Allele frequency attached by ClinVar (database versions not stated): gnomAD exomes 0.00003; gnomAD 0.00001; TOPMed 0.00001; ExAC 0.00002.

Submissions (2):

Labcorp Genetics (formerly Invitae), Labcorp
Classification: Uncertain significance. Last evaluated: 2024-10-06. Review status: criteria provided, single submitter. Criteria: Invitae Variant Classification Sherloc (09022015). Collection method: clinical testing. Allele origin: germline.
Comment: This sequence change replaces arginine, which is basic and polar, with cysteine, which is neutral and slightly polar, at codon 231 of the CHRNB2 protein (p.Arg231Cys). This variant is present in population databases (rs752986234, gnomAD 0.02%). This variant has not been reported in the literature in individuals affected with CHRNB2-related conditions. ClinVar contains an entry for this variant (Variation ID: 410308). Invitae Evidence Modeling of protein sequence and biophysical properties (such as structural, functional, and spatial information, amino acid conservation, physicochemical variation, residue mobility, and thermodynamic stability) indicates that this missense variant is not expected to disrupt CHRNB2 protein function with a negative predictive value of 80%. In summary, the available evidence is currently insufficient to determine the role of this variant in disease. Therefore, it has been classified as a Variant of Uncertain Significance.

Athena Diagnostics
Classification: Uncertain significance. Last evaluated: 2018-10-30. Review status: criteria provided, single submitter. Criteria: Athena Diagnostics Criteria. Collection method: clinical testing. Allele origin: germline.